The following is an entry in ClinVar:

ClinVar aggregate classification (germline): Uncertain significance. Review status: criteria provided, multiple submitters, no conflicts (2 of 4 stars). 5 submissions from 5 submitters: Uncertain significance (5). Last evaluated 2024-10-08.

Conditions:
Cystinuria (CSNU). Also called: CYSTINURIA, TYPE I; CYSTINURIA, TYPE II; CYSTINURIA, TYPE III; Cystinuria, non-type I. Identifiers: Orphanet 214, MedGen C0010691, MONDO:0009067, OMIM 220100, HP:0003131.

Allele frequency attached by ClinVar (database versions not stated): ExAC 0.00021; ESP Exome Variant Server 0.00023; TOPMed 0.00034; gnomAD 0.00040 and 0.00042.
gnomAD v4.1: 831 of 1,614,108 alleles (0.051%); highest among the groups gnomAD compares: Non-Finnish European, 0.066%; no homozygotes.

Submissions (5):

Blueprint Genetics
Classification: Uncertain significance. Last evaluated: 2024-10-08. Review status: criteria provided, single submitter. Criteria: ACMG Guidelines, 2015. Collection method: clinical testing. Allele origin: germline.

Fulgent Genetics
Classification: Uncertain significance for Cystinuria. Last evaluated: 2024-03-04. Review status: criteria provided, single submitter. Criteria: ACMG Guidelines, 2015. Collection method: clinical testing. Allele origin: germline.

Labcorp Genetics (formerly Invitae), Labcorp
Classification: Uncertain significance for Cystinuria. Last evaluated: 2022-10-28. Review status: criteria provided, single submitter. Criteria: Invitae Variant Classification Sherloc (09022015). Collection method: clinical testing. Allele origin: germline.
Comment: This sequence change replaces arginine, which is basic and polar, with cysteine, which is neutral and slightly polar, at codon 81 of the SLC3A1 protein (p.Arg81Cys). This variant is present in population databases (rs149813423, gnomAD 0.05%). This missense change has been observed in individual(s) with cystinuria (PMID: 21488254, 24215330). ClinVar contains an entry for this variant (Variation ID: 897483). Algorithms developed to predict the effect of missense changes on protein structure and function output the following: SIFT: "Tolerated"; PolyPhen-2: "Benign"; Align-GVGD: "Class C0". The cysteine amino acid residue is found in multiple mammalian species, which suggests that this missense change does not adversely affect protein function. In summary, the available evidence is currently insufficient to determine the role of this variant in disease. Therefore, it has been classified as a Variant of Uncertain Significance.

Department of Pathology and Laboratory Medicine, Sinai Health System
Classification: Uncertain significance for Cystinuria. Last evaluated: 2021-12-17. Review status: criteria provided, single submitter. Criteria: ACMG Guidelines, 2015. Collection method: research. Allele origin: germline.

Illumina Laboratory Services, Illumina
Classification: Uncertain significance for Cystinuria. Last evaluated: 2017-04-27. Review status: criteria provided, single submitter. Criteria: ICSL Variant Classification Criteria 13 December 2019. Collection method: clinical testing. Allele origin: germline.
Comment: This variant was observed as part of a predisposition screen in an ostensibly healthy population. A literature search was performed for the gene, cDNA change, and amino acid change (where applicable). Publications were found based on this search. However, the evidence from the literature, in combination with allele frequency data from public databases where available, was not sufficient to rule this variant in or out of causing disease. Therefore, this variant is classified as a variant of unknown significance.

Literature cited by the submitters: PubMed 21488254 (cited by Labcorp Genetics (formerly Invitae), Labcorp); PubMed 24215330 (cited by Labcorp Genetics (formerly Invitae), Labcorp and Illumina Laboratory Services, Illumina).

NM_000341.4(SLC3A1):c.241C>T (p.Arg81Cys)

Gene: SLC3A1 (solute carrier family 3 member 1; plus strand). Cytogenetic location: 2p21.
Variant type: single nucleotide variant.
Coding change: c.241C>T on transcript NM_000341.4 (MANE Select); coding-DNA position 241, C replaced by T.
Protein change: p.Arg81Cys; replaces arginine 81 with cysteine.
Molecular consequence: missense variant.
Genome position (GRCh38, 1-based): chr2:44,275,776, C>T. VCF-style: chr2-44275776-C-T. GRCh37 (hg19) VCF-style: chr2-44502915-C-T.
Other names: short protein forms R81C.
Identifiers: ClinVar variation 897483 (VCV000897483.13), dbSNP rs149813423, ClinGen allele CA1640056.